The following is an entry in ClinVar:

ClinVar aggregate classification (germline): Likely benign (1 of 4 stars; one submission).

gnomAD v4.1: 5 of 1,614,260 alleles (0.00031%); highest among the groups gnomAD compares: Non-Finnish European, 0.00034%; no homozygotes.

Submission:

GeneDx
Classification: Likely benign. Last evaluated: 2016-02-03. Review status: criteria provided, single submitter. Criteria: GeneDx Variant Classification (06012015). Collection method: clinical testing. Allele origin: germline. Affected: yes.
Comment: This variant is considered likely benign or benign based on one or more of the following criteria: it is a conservative change, it occurs at a poorly conserved position in the protein, it is predicted to be benign by multiple in silico algorithms, and/or has population frequency not consistent with disease.

NM_000834.5(GRIN2B):c.3195C>A (p.Thr1065=)

Gene: GRIN2B (glutamate ionotropic receptor NMDA type subunit 2B; minus strand). Cytogenetic location: 12p13.1.
Variant type: single nucleotide variant.
Coding change: c.3195C>A on transcript NM_000834.5 (MANE Select); coding-DNA position 3195, C replaced by A.
Protein change: p.Thr1065=; no amino-acid change (threonine 1065 retained).
Molecular consequence: synonymous variant.
Genome position (GRCh38, 1-based): chr12:13,564,043, G>T on the plus strand (C>A on the coding strand, the complement: GRIN2B is on the minus strand). VCF-style: chr12-13564043-G-T. GRCh37 (hg19) VCF-style: chr12-13716977-G-T.
Identifiers: ClinVar variation 246336 (VCV000246336.1), dbSNP rs879254211, ClinGen allele CA10584422.
Genomic context (GRCh38, chr12:13,564,043, plus strand): 5'-ATATTGCTGCTTACGCCTCTTGGCGGCATTGCCCTCGATGTTCCCATAGGTGACGGTGTG[G>T]GTTGAGATGTCAGAGACATCGGAGCGGATCAAGTCGTCGTGGCCACTGTAGCGGTCGCTC-3'
Protein context (NP_000825.2, residues 1055-1075): LIRSDVSDIS[Thr1065=]HTVTYGNIEG